The following is an entry in ClinVar:

NM_000719.7(CACNA1C):c.2792A>G (p.His931Arg)

Gene: CACNA1C (calcium voltage-gated channel subunit alpha1 C; plus strand). Cytogenetic location: 12p13.33.
Variant type: single nucleotide variant.
Coding change: c.2792A>G on transcript NM_000719.7 (MANE Select); coding-DNA position 2792, A replaced by G.
Protein change: p.His931Arg; replaces histidine 931 with arginine.
Molecular consequence: missense variant.
Genome position (GRCh38, 1-based): chr12:2,596,002, A>G. VCF-style: chr12-2596002-A-G. GRCh37 (hg19) VCF-style: chr12-2705168-A-G.
Other names: c.2792A>G, p.His931Arg (NM_001129827.2, NM_001129829.2, NM_001129830.3 and 18 more transcripts); c.2783A>G, p.His928Arg (NM_001129844.2); short protein forms H928R, H931R.
Identifiers: ClinVar variation 1516481 (VCV001516481.7), dbSNP rs1170410162, ClinGen allele CA383372653.

ClinVar aggregate classification (germline): Uncertain significance (1 of 4 stars; one submission).

Conditions:
Long QT syndrome (LQTS). Identifiers: MedGen C0023976, MeSH D008133, MONDO:0002442. Disease mechanism: loss of function. Inheritance: Various modes of inheritance.

Allele frequency attached by ClinVar (database versions not stated): gnomAD exomes below 0.00001; TOPMed below 0.00001; gnomAD 0.00001.
gnomAD v4.1: 4 of 1,612,120 alleles (0.00025%); highest among the groups gnomAD compares: South Asian, 0.0022%; no homozygotes.

Submission:

Labcorp Genetics (formerly Invitae), Labcorp
Classification: Uncertain significance for Long QT syndrome. Last evaluated: 2021-04-30. Review status: criteria provided, single submitter. Criteria: Invitae Variant Classification Sherloc (09022015). Collection method: clinical testing. Allele origin: germline.
Comment: This sequence change replaces histidine with arginine at codon 931 of the CACNA1C protein (p.His931Arg). The histidine residue is weakly conserved and there is a small physicochemical difference between histidine and arginine. This variant is not present in population databases (ExAC no frequency). This variant has not been reported in the literature in individuals with CACNA1C-related conditions. Algorithms developed to predict the effect of missense changes on protein structure and function (SIFT, PolyPhen-2, Align-GVGD) all suggest that this variant is likely to be tolerated, but these predictions have not been confirmed by published functional studies and their clinical significance is uncertain. Algorithms developed to predict the effect of sequence changes on RNA splicing suggest that this variant may disrupt the consensus splice site, but this prediction has not been confirmed by published transcriptional studies. In summary, the available evidence is currently insufficient to determine the role of this variant in disease. Therefore, it has been classified as a Variant of Uncertain Significance.